The following is an entry in ClinVar:

ClinVar aggregate classification (germline): Pathogenic (1 of 4 stars; one submission).

Conditions:
Aniridia 1 (AN1). Identifiers: Orphanet 250923, MedGen C0344542, MONDO:0024507, OMIM 106210.
Irido-corneo-trabecular dysgenesis (ASGD5). Also called: ANTERIOR SEGMENT DYSGENESIS 5. Identifiers: Orphanet 708, MedGen C0344559, MONDO:0011414, OMIM 604229, HP:0000659.

Submission:

Labcorp Genetics (formerly Invitae), Labcorp
Classification: Pathogenic for Aniridia 1; Irido-corneo-trabecular dysgenesis. Last evaluated: 2022-12-06. Review status: criteria provided, single submitter. Criteria: Invitae Variant Classification Sherloc (09022015). Collection method: clinical testing. Allele origin: germline.
Comment: For these reasons, this variant has been classified as Pathogenic. This sequence change creates a premature translational stop signal (p.Pro333Alafs*8) in the PAX6 gene. It is expected to result in an absent or disrupted protein product. Loss-of-function variants in PAX6 are known to be pathogenic (PMID: 12634864). This variant is not present in population databases (gnomAD no frequency). This variant has not been reported in the literature in individuals affected with PAX6-related conditions.

Literature cited by the submitters: PubMed 12634864.

NM_001368894.2(PAX6):c.1038dup (p.Pro347fs)

Gene: PAX6 (paired box 6; minus strand). Cytogenetic location: 11p13.
Variant type: Duplication.
Coding change: c.1038dup on transcript NM_001368894.2 (MANE Select); coding-DNA position 1038, one base duplicated (G; older notation c.1038dupG).
Protein change: p.Pro347fs; shifts the reading frame from proline 347.
Molecular consequence: frameshift variant. On other transcripts: non-coding transcript variant (2).
Genome position (GRCh38, 1-based): chr11:31,793,474, C duplicated on the plus strand (G on the coding strand, the reverse complement: PAX6 is on the minus strand). VCF-style (leftmost placement, unchanged base first): chr11-31793473-G-GC. GRCh37 (hg19) VCF-style: chr11-31815021-G-GC.
Other names: c.996dup, p.Pro333fs (NM_000280.6, NM_001127612.3, NM_001258464.2 and 10 more transcripts); c.1038dup, p.Pro347fs (NM_001258462.3, NM_001258463.2, NM_001310158.2 and 6 more transcripts); c.588dup, p.Pro197fs (NM_001310160.2, NM_001310161.3, NM_001368899.2 and 11 more transcripts); c.1239dup, p.Pro414fs (NM_001368910.2); c.1041dup, p.Pro348fs (NM_001368911.2); c.1113dup, p.Pro372fs (NM_001368918.2, NM_001368919.2); c.1071dup, p.Pro358fs (NM_001368920.2); c.837dup, p.Pro280fs (NM_001368921.2, NM_001368922.2, NM_001368923.2 and 4 more transcripts); and 2 more; short protein forms P280fs, P347fs, P372fs, P132fs, P197fs, P266fs, P348fs, P358fs.
Identifiers: ClinVar variation 2942092 (VCV002942092.3), dbSNP rs2495056510, ClinGen allele CA2740093662.